The following is an entry in ClinVar:

NM_001286445.3(RIPOR2):c.114G>C (p.Ser38=)

Gene: RIPOR2 (RHO family interacting cell polarization regulator 2; minus strand). Cytogenetic location: 6p22.3.
Variant type: single nucleotide variant.
Coding change: c.114G>C on transcript NM_001286445.3 (MANE Select); coding-DNA position 114, G replaced by C.
Protein change: p.Ser38=; no amino-acid change (serine 38 retained).
Molecular consequence: synonymous variant.
Genome position (GRCh38, 1-based): chr6:24,875,765, C>G on the plus strand (G>C on the coding strand, the complement: RIPOR2 is on the minus strand). VCF-style: chr6-24875765-C-G. GRCh37 (hg19) VCF-style: chr6-24875993-C-G.
Other names: c.129G>C, p.Ser43= (NM_001286446.3); c.27G>C, p.Ser9= (NM_001286447.2, NM_001346031.2, NM_001346032.2 and 2 more transcripts).
Identifiers: ClinVar variation 508573 (VCV000508573.17), dbSNP rs2295197, ClinGen allele CA3659642.
Genomic context (GRCh38, chr6:24,875,765, plus strand): 5'-CTGGAGGCCGCTGAAACCCGCAAAGGACTGGCTTCTAATGATCCCATTGGGCCCTCCAGG[C>G]GAAAAAGACTGGGATCCTACCAACATGATTTCCGGGAGTCTGGTCGGTAGTCCTAGAAGA-3'
Protein context (NP_001273374.1, residues 28-48): EIMLVGSQSF[Ser38=]PGGPNGIIRS

ClinVar aggregate classification (germline): Benign. Review status: criteria provided, multiple submitters, no conflicts (2 of 4 stars). 4 submissions from 4 submitters: Benign (4). Last evaluated 2026-01-28.

Allele frequency attached by ClinVar (database versions not stated): ESP Exome Variant Server 0.00033; TOPMed 0.00350; 1000 Genomes Project 30x 0.00968; 1000 Genomes Project 0.00978.
gnomAD v4.1: 2,617 of 1,613,402 alleles (0.16%); highest among the groups gnomAD compares: East Asian, 2.5%; 37 homozygotes.

Submissions (4):

Labcorp Genetics (formerly Invitae), Labcorp
Classification: Benign. Last evaluated: 2026-01-28. Review status: criteria provided, single submitter. Criteria: Invitae Variant Classification Sherloc (09022015). Collection method: clinical testing. Allele origin: germline.

Athena Diagnostics
Classification: Benign. Last evaluated: 2019-08-05. Review status: criteria provided, single submitter. Criteria: Athena Diagnostics Criteria. Collection method: clinical testing. Allele origin: germline.

GeneDx
Classification: Benign. Last evaluated: 2019-03-25. Review status: criteria provided, single submitter. Criteria: GeneDx Variant Classification Process June 2021. Collection method: clinical testing. Allele origin: germline. Affected: yes.

Laboratory for Molecular Medicine, Mass General Brigham Personalized Medicine
Classification: Benign. Last evaluated: 2017-08-23. Review status: criteria provided, single submitter. Criteria: LMM Criteria. Collection method: clinical testing. Allele origin: germline. Observed: 1 variant allele.
Comment: p.Ser9Ser in exon 2 of FAM65B: This variant is not expected to have clinical sig nificance because it does not alter an amino acid residue, is not located within the splice consensus sequence, and has been identified in 2.47% (193/7808) of E ast Asian chromosomes by the Exome Aggregation Consortium (ExAC; dbSNP rs2295197).